The following is an entry in ClinVar:

NM_002637.4(PHKA1):c.3323C>G (p.Ser1108Cys)

Gene: PHKA1 (phosphorylase kinase regulatory subunit alpha 1; minus strand). Cytogenetic location: Xq13.1.
Variant type: single nucleotide variant.
Coding change: c.3323C>G on transcript NM_002637.4 (MANE Select); coding-DNA position 3323, C replaced by G.
Protein change: p.Ser1108Cys; replaces serine 1108 with cysteine.
Molecular consequence: missense variant.
Genome position (GRCh38, 1-based): chrX:72,582,573, G>C on the plus strand (C>G on the coding strand, the complement: PHKA1 is on the minus strand). VCF-style: chrX-72582573-G-C. GRCh37 (hg19) VCF-style: chrX-71802423-G-C.
Other names: c.3284C>G, p.Ser1095Cys (NM_001122670.2, NM_001440787.1); c.3107C>G, p.Ser1036Cys (NM_001172436.2, NM_001440788.1); c.3374C>G, p.Ser1125Cys (NM_001431068.1); short protein forms S1036C, S1095C, S1108C, S1125C.
Identifiers: ClinVar variation 4999856 (VCV004999856.1).

ClinVar aggregate classification (germline): Uncertain significance (1 of 4 stars; one submission).

Conditions:
PHKA1-related disorder. Also called: PHKA1-related condition.

Submission:

PreventionGenetics, part of Exact Sciences
Classification: Uncertain significance for PHKA1-related condition. Last evaluated: 2025-03-08. Review status: criteria provided, single submitter. Criteria: ACMG Guidelines, 2015. Collection method: clinical testing. Allele origin: germline.
Comment: The PHKA1 c.3323C>G variant is predicted to result in the amino acid substitution p.Ser1108Cys. To our knowledge, this variant has not been reported in the literature or in a large population database (gnomAD), indicating this variant is rare. At this time, the clinical significance of this variant is uncertain due to the absence of conclusive functional and genetic evidence.